The following is an entry in ClinVar:

NM_001458.5(FLNC):c.5665del (p.Glu1889fs)

Genes: FLNC-AS1 (FLNC antisense RNA 1; minus strand), FLNC (filamin C; plus strand). Cytogenetic location: 7q32.1.
Variant type: Deletion.
Coding change: c.5665del on transcript NM_001458.5 (MANE Select); coding-DNA position 5665, one base deleted (G; older notation c.5665delG).
Protein change: p.Glu1889fs; shifts the reading frame from glutamic acid 1889.
Molecular consequence: frameshift variant.
Genome position (GRCh38, 1-based): chr7:128,851,357, G deleted. VCF-style (leftmost placement, unchanged base first): chr7-128851356-AG-A. GRCh37 (hg19) VCF-style: chr7-128491410-AG-A.
Other names: c.5566del, p.Glu1856fs (NM_001127487.2); short protein forms E1856fs, E1889fs.
Identifiers: ClinVar variation 1072931 (VCV001072931.7), dbSNP rs2128938391, ClinGen allele CA2499218748.

ClinVar aggregate classification (germline): Pathogenic (1 of 4 stars; one submission).

Conditions:
Myofibrillar myopathy 5. Also called: FILAMINOPATHY, AUTOSOMAL DOMINANT; Filaminopathy (type). Identifiers: Orphanet 171445, MedGen C1836050, MONDO:0012289, OMIM 609524.
Distal myopathy with posterior leg and anterior hand involvement. Also called: WILLIAMS DISTAL MYOPATHY. Identifiers: Orphanet 63273, MedGen C3279722, MONDO:0013550, OMIM 614065.
Hypertrophic cardiomyopathy 26. Also called: Cardiomyopathy, familial hypertrophic, 26. Identifiers: Orphanet 75249, MedGen C4310749, MONDO:0014883, OMIM 617047.

Submission:

Labcorp Genetics (formerly Invitae), Labcorp
Classification: Pathogenic for Distal myopathy with posterior leg and anterior hand involvement; Myofibrillar myopathy 5; Hypertrophic cardiomyopathy 26. Last evaluated: 2020-07-03. Review status: criteria provided, single submitter. Criteria: Invitae Variant Classification Sherloc (09022015). Collection method: clinical testing. Allele origin: germline.
Comment: This sequence change creates a premature translational stop signal (p.Glu1889Lysfs*64) in the FLNC gene. It is expected to result in an absent or disrupted protein product. This variant is not present in population databases (ExAC no frequency). This variant has not been reported in the literature in individuals with FLNC-related conditions. Loss-of-function variants in FLNC are known to be pathogenic (PMID: 27908349). For these reasons, this variant has been classified as Pathogenic.

Literature cited by the submitters: PubMed 27908349.